The following is an entry in ClinVar:

NM_001354604.2(MITF):c.803A>G (p.Gln268Arg)

Gene: MITF (melanocyte inducing transcription factor; plus strand). Cytogenetic location: 3p13.
Variant type: single nucleotide variant.
Coding change: c.803A>G on transcript NM_001354604.2 (MANE Select); coding-DNA position 803, A replaced by G.
Protein change: p.Gln268Arg; replaces glutamine 268 with arginine.
Molecular consequence: missense variant.
Genome position (GRCh38, 1-based): chr3:69,949,091, A>G. VCF-style: chr3-69949091-A-G. GRCh37 (hg19) VCF-style: chr3-69998242-A-G.
Other names: c.482A>G, p.Gln161Arg (NM_000248.4, NM_198158.3); c.647A>G, p.Gln216Arg (NM_001184967.2, NM_001354608.2); c.800A>G, p.Gln267Arg (NM_001354605.2, NM_001354606.2, NM_006722.3); c.752A>G, p.Gln251Arg (NM_001354607.2); c.803A>G, p.Gln268Arg (NM_198159.3); c.755A>G, p.Gln252Arg (NM_198177.3); c.314A>G, p.Gln105Arg (NM_198178.3); short protein forms Q105R, Q216R, Q161R, Q251R, Q252R, Q268R, Q267R.
Identifiers: ClinVar variation 2931438 (VCV002931438.5), dbSNP rs977085762, ClinGen allele CA77001738.
Genomic context (GRCh38, chr3:69,949,091, plus strand): 5'-TACTGTTTGTCTCTCTCTAGTTGCCTGTCTCGGGAAACTTGATTGATCTTTATGGAAACC[A>G]AGGTCTGCCCCCACCAGGCCTCACCATCAGCAACTCCTGTCCAGCCAACCTTCCCAACAT-3'
Protein context (NP_001341533.1, residues 258-278): SGNLIDLYGN[Gln268Arg]GLPPPGLTIS

ClinVar aggregate classification (germline): Uncertain significance. Review status: criteria provided, multiple submitters, no conflicts (2 of 4 stars). 3 submissions from 3 submitters: Uncertain significance (3). Last evaluated 2025-09-03.

Conditions:
Waardenburg syndrome type 2A (WS2A). Also called: WAARDENBURG SYNDROME WITHOUT DYSTOPIA CANTHORUM. Identifiers: Orphanet 3440, MedGen C1860339, MONDO:0008671, OMIM 193510.
Melanoma, cutaneous malignant, susceptibility to, 8. Also called: MELANOMA AND RENAL CELL CARCINOMA, SUSCEPTIBILITY TO; Cutaneous malignant melanoma 8. Identifiers: Orphanet 293822, MedGen C3152204, MONDO:0013759, OMIM 614456.
Tietz syndrome (TADS). Also called: TIETZ ALBINISM-DEAFNESS SYNDROME; ALBINISM-DEAFNESS OF TIETZ; HYPOPIGMENTATION/DEAFNESS OF TIETZ. Identifiers: Orphanet 42665, MedGen C0391816, MONDO:0007077, OMIM 103500.
MITF-related disorder. Also called: MITF-related condition.
Hereditary cancer-predisposing syndrome. Also called: Tumor predisposition; Hereditary Cancer Syndrome; Neoplastic Syndromes, Hereditary; Hereditary neoplastic syndrome. Identifiers: Orphanet 140162, MedGen C0027672, MeSH D009386, MONDO:0015356.

Allele frequency attached by ClinVar (database versions not stated): gnomAD exomes below 0.00001; gnomAD 0.00001; TOPMed 0.00001.
gnomAD v4.1: 3 of 1,613,652 alleles (0.00019%); highest among the groups gnomAD compares: Non-Finnish European, 0.00017%; no homozygotes.

Submissions (3):

Labcorp Genetics (formerly Invitae), Labcorp
Classification: Uncertain significance for Melanoma, cutaneous malignant, susceptibility to, 8; Waardenburg syndrome type 2A; Tietz syndrome. Last evaluated: 2025-09-03. Review status: criteria provided, single submitter. Criteria: Invitae Variant Classification Sherloc (09022015). Collection method: clinical testing. Allele origin: germline.
Comment: This sequence change replaces glutamine, which is neutral and polar, with arginine, which is basic and polar, at codon 161 of the MITF protein (p.Gln161Arg). This variant is not present in population databases (gnomAD no frequency). This missense change has been observed in individual(s) with nonsyndromic deafness (PMID: 37217689). ClinVar contains an entry for this variant (Variation ID: 2931438). Invitae Evidence Modeling of protein sequence and biophysical properties (such as structural, functional, and spatial information, amino acid conservation, physicochemical variation, residue mobility, and thermodynamic stability) indicates that this missense variant is not expected to disrupt MITF protein function with a negative predictive value of 80%. In summary, the available evidence is currently insufficient to determine the role of this variant in disease. Therefore, it has been classified as a Variant of Uncertain Significance.

PreventionGenetics, part of Exact Sciences
Classification: Uncertain significance for MITF-related condition. Last evaluated: 2025-06-02. Review status: criteria provided, single submitter. Criteria: ACMG Guidelines, 2015. Collection method: clinical testing. Allele origin: germline.
Comment: The MITF c.482A>G variant is predicted to result in the amino acid substitution p.Gln161Arg. This variant was reported in an individual with non-syndromic hearing loss (described as p.Gln268Arg, Table S3, Ramzan et al. 2023. PubMed ID: 37217689). This variant has not been reported in a large population database (gnomAD), indicating this variant is rare. At this time, the clinical significance of this variant is uncertain due to the absence of conclusive functional and genetic evidence.

Ambry Genetics
Classification: Uncertain significance for Hereditary cancer-predisposing syndrome. Last evaluated: 2025-02-09. Review status: criteria provided, single submitter. Criteria: Ambry Variant Classification Scheme 2023. Collection method: clinical testing. Allele origin: germline.
Comment: The p.Q161R variant (also known as c.482A>G), located in coding exon 5 of the MITF gene, results from an A to G substitution at nucleotide position 482. The glutamine at codon 161 is replaced by arginine, an amino acid with highly similar properties. This amino acid position is conserved. In addition, this alteration is predicted to be tolerated by in silico analysis. Based on the available evidence, the clinical significance of this variant remains unclear.

Literature cited by the submitters: PubMed 37217689 (cited by Labcorp Genetics (formerly Invitae), Labcorp).